The following is an entry in ClinVar:

NM_014363.6(SACS):c.5766dup (p.Gln1923fs)

Gene: SACS (sacsin molecular chaperone; minus strand). Cytogenetic location: 13q12.12.
Variant type: Duplication.
Coding change: c.5766dup on transcript NM_014363.6 (MANE Select); coding-DNA position 5766, one base duplicated (A; older notation c.5766dupA).
Protein change: p.Gln1923fs; shifts the reading frame from glutamine 1923.
Molecular consequence: frameshift variant.
Genome position (GRCh38, 1-based): chr13:23,338,110, T duplicated on the plus strand (A on the coding strand, the reverse complement: SACS is on the minus strand). VCF-style (leftmost placement, unchanged base first): chr13-23338109-G-GT. GRCh37 (hg19) VCF-style: chr13-23912248-G-GT.
Other names: c.5325dup, p.Gln1776fs (NM_001278055.2); c.5793dup, p.Gln1932fs (NM_001437336.1); short protein forms Q1776fs, Q1923fs, Q1932fs.
Identifiers: ClinVar variation 4815705 (VCV004815705.1).

ClinVar aggregate classification (germline): Likely pathogenic (1 of 4 stars; one submission).

Conditions:
Charlevoix-Saguenay spastic ataxia (SACS). Also called: AUTOSOMAL RECESSIVE SPASTIC ATAXIA OF CHARLEVOIX-SAGUENAY; Spastic ataxia of Charlevoix-Saguenay; SPASTIC ATAXIA 6, AUTOSOMAL RECESSIVE. Identifiers: Orphanet 98, MedGen C1849140, MONDO:0010041, OMIM 270550.

Submission:

Natera, Inc.
Classification: Likely pathogenic for Charlevoix-Saguenay type spastic ataxia. Last evaluated: 2024-07-16. Review status: criteria provided, single submitter. Criteria: Natera Variant Classification Schema (03/2026). Collection method: clinical testing. Allele origin: germline.
Comment: The c.5766dup variant in SACS is a frameshift variant predicted to shift the reading frame beginning at codon 1923 and leads to a stop codon 12 codons downstream. This variant is expected to result in nonsense mediated decay, truncation, or a dysfunctional protein product. This variant is rare in the general population with a frequency below the threshold expected for the associated phenotype(s). Given the available evidence, this variant is classified as Likely Pathogenic.